The following is an entry in ClinVar:

ClinVar aggregate classification (germline): Pathogenic. Review status: criteria provided, multiple submitters, no conflicts (2 of 4 stars). 2 submissions from 2 submitters: Pathogenic (2). Last evaluated 2025-04-23.

Conditions:
Cardiovascular phenotype. Identifiers: MedGen CN230736.
Distal myopathy with posterior leg and anterior hand involvement. Also called: WILLIAMS DISTAL MYOPATHY. Identifiers: Orphanet 63273, MedGen C3279722, MONDO:0013550, OMIM 614065.
Hypertrophic cardiomyopathy 26. Also called: Cardiomyopathy, familial hypertrophic, 26. Identifiers: Orphanet 75249, MedGen C4310749, MONDO:0014883, OMIM 617047.
Myofibrillar myopathy 5. Also called: FILAMINOPATHY, AUTOSOMAL DOMINANT; Filaminopathy (type). Identifiers: Orphanet 171445, MedGen C1836050, MONDO:0012289, OMIM 609524.

Submissions (2):

Labcorp Genetics (formerly Invitae), Labcorp
Classification: Pathogenic for Distal myopathy with posterior leg and anterior hand involvement; Myofibrillar myopathy 5; Hypertrophic cardiomyopathy 26. Last evaluated: 2025-04-23. Review status: criteria provided, single submitter. Criteria: Invitae Variant Classification Sherloc (09022015). Collection method: clinical testing. Allele origin: germline.
Comment: This sequence change creates a premature translational stop signal (p.Tyr1316Cysfs*31) in the FLNC gene. It is expected to result in an absent or disrupted protein product. Loss-of-function variants in FLNC are known to be pathogenic (PMID: 27908349). This variant is not present in population databases (gnomAD no frequency). This variant has not been reported in the literature in individuals affected with FLNC-related conditions. For these reasons, this variant has been classified as Pathogenic.

Ambry Genetics
Classification: Pathogenic for Cardiovascular phenotype. Last evaluated: 2025-03-27. Review status: criteria provided, single submitter. Criteria: Ambry Variant Classification Scheme 2023. Collection method: clinical testing. Allele origin: germline.
Comment: The c.3942_3946dupGCAGT pathogenic mutation, located in coding exon 22 of the FLNC gene, results from a duplication of GCAGT at nucleotide position 3942, causing a translational frameshift with a predicted alternate stop codon (p.Y1316Cfs*31). This variant is considered to be rare based on population cohorts in the Genome Aggregation Database (gnomAD). This alteration is expected to result in loss of function by premature protein truncation or nonsense-mediated mRNA decay. As such, this alteration is interpreted as a disease-causing mutation for FLNC-related dilated cardiomyopathy; however, its clinical significance for FLNC-related hypertrophic/restrictive cardiomyopathy and/or skeletal myopathy is uncertain.

Literature cited by the submitters: PubMed 27908349 (cited by Labcorp Genetics (formerly Invitae), Labcorp).

NM_001458.5(FLNC):c.3942_3946dup (p.Tyr1316fs)

Gene: FLNC (filamin C; plus strand). Cytogenetic location: 7q32.1.
Variant type: Duplication.
Coding change: c.3942_3946dup on transcript NM_001458.5 (MANE Select); coding-DNA positions 3942 to 3946, 5 bases duplicated (GCAGT; older notation c.3942_3946dupGCAGT).
Protein change: p.Tyr1316fs; shifts the reading frame from tyrosine 1316.
Molecular consequence: frameshift variant.
Genome position (GRCh38, 1-based): chr7:128,846,141-128,846,145, GCAGT duplicated; duplicating any 5 consecutive bases within chr7:128,846,138-128,846,145 gives the same sequence; the c. name uses the placement nearest the transcript's 3' end. VCF-style (leftmost placement, unchanged base first): chr7-128846137-G-GAGTGC. GRCh37 (hg19) VCF-style: chr7-128486191-G-GAGTGC.
Other names: c.3942_3946dupGCAGT (NM_001458.4); c.3942_3946dup, p.Tyr1316fs (NM_001127487.2); short protein forms Y1316fs.
Identifiers: ClinVar variation 4025599 (VCV004025599.2).